The following is an entry in ClinVar:

ClinVar aggregate classification (germline): Pathogenic. Review status: criteria provided, multiple submitters, no conflicts (2 of 4 stars). 2 submissions from 2 submitters: Pathogenic (2). Last evaluated 2021-10-28.

Conditions:
Duchenne muscular dystrophy (DMD). Also called: MUSCULAR DYSTROPHY, PSEUDOHYPERTROPHIC PROGRESSIVE, DUCHENNE TYPE; Duchenne Muscular Dystrophy (DMD). Identifiers: Orphanet 98896, MedGen C0013264, MONDO:0010679, OMIM 310200.

Submissions (2):

Labcorp Genetics (formerly Invitae), Labcorp
Classification: Pathogenic for Duchenne muscular dystrophy. Last evaluated: 2021-10-28. Review status: criteria provided, single submitter. Criteria: Invitae Variant Classification Sherloc (09022015). Collection method: clinical testing. Allele origin: germline.
Comment: For these reasons, this variant has been classified as Pathogenic. Studies have shown that disruption of this splice site results in skipping of exon 68 and/or at least part of exon 70 and introduces a premature termination codon (PMID: 10196701). The resulting mRNA is expected to undergo nonsense-mediated decay. ClinVar contains an entry for this variant (Variation ID: 217172). This variant is also known as c.10431+1G>C. Disruption of this splice site has been observed in individuals with Duchenne muscular dystrophy (PMID: 9143930, 10196701). This variant is not present in population databases (gnomAD no frequency). This sequence change affects a donor splice site in intron 70 of the DMD gene. RNA analysis indicates that disruption of this splice site induces altered splicing and may result in an absent or disrupted protein product.

Athena Diagnostics
Classification: Pathogenic for Duchenne muscular dystrophy. Last evaluated: 2012-08-24. Review status: criteria provided, single submitter. Criteria: Athena Diagnostics Criteria. Collection method: clinical testing. Allele origin: germline. Inheritance: X-linked recessive inheritance.
Comment: X-linked recessive inheritance

Literature cited by the submitters: PubMed 10196701 (cited by Labcorp Genetics (formerly Invitae), Labcorp and Athena Diagnostics); PubMed 9143930 (cited by Labcorp Genetics (formerly Invitae), Labcorp and Athena Diagnostics).

NM_004006.3(DMD):c.10223+1G>C

Gene: DMD (dystrophin; minus strand). Cytogenetic location: Xp21.2.
Variant type: single nucleotide variant.
Coding change: c.10223+1G>C on transcript NM_004006.3 (MANE Select); the canonical splice donor site of the intron after coding-DNA position 10223, G replaced by C.
Molecular consequence: splice donor variant. On other transcripts: synonymous variant (1).
Genome position (GRCh38, 1-based): chrX:31,178,668, C>G on the plus strand (G>C on the coding strand, the complement: DMD is on the minus strand). VCF-style: chrX-31178668-C-G. GRCh37 (hg19) VCF-style: chrX-31196785-C-G.
Other names: c.1020G>C, p.Thr340= (NM_004019.3); c.10199+1G>C (NM_000109.4); c.6200+1G>C (NM_004011.4); c.6191+1G>C (NM_004012.4); c.2843+1G>C (NM_004023.3, NM_004020.4, NM_004022.3 and 2 more transcripts); c.2036+1G>C (NM_004014.3); c.1019+1G>C (NM_004018.3, NM_004017.3, NM_004016.3 and 1 more transcripts); c.10211+1G>C (NM_004009.3); and 1 more.
Identifiers: ClinVar variation 217172 (VCV000217172.7), dbSNP rs398123834, ClinGen allele CA347551.
Genomic context (GRCh38, chrX:31,178,668, plus strand): 5'-AGCTGAGAGGAGTTCAAATATACATCAAACAAGAGTGTGTTCTGCTTTTGCTACTACTCA[C>G]GTTTCCATGTTGTCCCCCTCTAAGACAGTCTGCACTGGCAGGTAGCCCATTCGGGGATGC-3'